The following is an entry in ClinVar:

NM_001844.5(COL2A1):c.3652A>G (p.Ile1218Val)

Gene: COL2A1 (collagen type II alpha 1 chain; minus strand). Cytogenetic location: 12q13.11.
Variant type: single nucleotide variant.
Coding change: c.3652A>G on transcript NM_001844.5 (MANE Select); coding-DNA position 3652, A replaced by G.
Protein change: p.Ile1218Val; replaces isoleucine 1218 with valine.
Molecular consequence: missense variant.
Genome position (GRCh38, 1-based): chr12:47,975,551, T>C on the plus strand (A>G on the coding strand, the complement: COL2A1 is on the minus strand). VCF-style: chr12-47975551-T-C. GRCh37 (hg19) VCF-style: chr12-48369334-T-C.
Other names: c.3652A>G (NM_001844.4); c.3445A>G, p.Ile1149Val (NM_033150.3); short protein forms I1149V, I1218V.
Identifiers: ClinVar variation 1489249 (VCV001489249.11), dbSNP rs374450416, ClinGen allele CA6534677.

ClinVar aggregate classification (germline): Conflicting classifications of pathogenicity. Review status: criteria provided, conflicting classifications (1 of 4 stars). 4 submissions from 4 submitters: Uncertain significance (2); Likely benign (2). Last evaluated 2026-05-13.

Conditions:
COL2A1-related disorder. Also called: COL2A1-related condition; COL2A1-related disorders.

Allele frequency attached by ClinVar (database versions not stated): gnomAD 0.00003; gnomAD exomes 0.00003 and 0.00014; TOPMed 0.00005; ExAC 0.00006; ESP Exome Variant Server 0.00008.
gnomAD v4.1: 197 of 1,604,630 alleles (0.012%); highest among the groups gnomAD compares: Non-Finnish European, 0.016%; no homozygotes.

Submissions (4):

PreventionGenetics, part of Exact Sciences
Classification: Uncertain significance for COL2A1-related condition. Last evaluated: 2026-05-13. Review status: criteria provided, single submitter. Criteria: ACMG Guidelines, 2015. Collection method: clinical testing. Allele origin: germline.
Comment: The COL2A1 c.3652A>G variant is predicted to result in the amino acid substitution p.Ile1218Val. This variant has been reported in an individual with adolescent idiopathic scoliosis (Supplementary Table 4, Haller et al. 2016. PubMed ID: 26566670); however, other clinical features of the individual were not provided. This variant is reported in 0.0070% of alleles in individuals of European (Non-Finnish) descent in gnomAD. Although we suspect this variant may be benign, at this time, the clinical significance of this variant is uncertain due to the absence of conclusive functional and genetic evidence.

Labcorp Genetics (formerly Invitae), Labcorp
Classification: Likely benign. Last evaluated: 2025-12-20. Review status: criteria provided, single submitter. Criteria: Invitae Variant Classification Sherloc (09022015). Collection method: clinical testing. Allele origin: germline.

GeneDx
Classification: Uncertain significance. Last evaluated: 2024-01-04. Review status: criteria provided, single submitter. Criteria: GeneDx Variant Classification Process June 2021. Collection method: clinical testing. Allele origin: germline. Affected: yes.
Comment: Not located in the triple helical region, where the majority of pathogenic missense variants occur (HGMD); In silico analysis supports that this missense variant does not alter protein structure/function; This variant is associated with the following publications: (PMID: 26566670)

Blueprint Genetics
Classification: Likely benign. Last evaluated: 2022-10-31. Review status: criteria provided, single submitter. Criteria: ACMG Guidelines, 2015. Collection method: clinical testing. Allele origin: germline.